The following is an entry in ClinVar:

NM_001244008.2(KIF1A):c.*2257C>T

Gene: KIF1A (kinesin family member 1A; minus strand). Cytogenetic location: 2q37.3.
Variant type: single nucleotide variant.
Coding change: c.*2257C>T on transcript NM_001244008.2 (MANE Select); 2257 bases downstream of the stop codon, C replaced by T.
Molecular consequence: 3 prime UTR variant.
Genome position (GRCh38, 1-based): chr2:240,715,107, G>A on the plus strand (C>T on the coding strand, the complement: KIF1A is on the minus strand). VCF-style: chr2-240715107-G-A. GRCh37 (hg19) VCF-style: chr2-241654524-G-A.
Other names: c.*2257C>T (NM_001320705.2, NM_001330289.2, NM_001330290.2 and 20 more transcripts).
Identifiers: ClinVar variation 335227 (VCV000335227.6), dbSNP rs11547136, ClinGen allele CA10614971.
Genomic context (GRCh38, chr2:240,715,107, plus strand): 5'-GCTGGCTGACCTGAGTTGGCCGTGGCAGGGCCTGTGCCTCCTCTAGCCTGCCTGGGGCCC[G>A]TGGGGCTCCCCCTCATCTCAGACCAGCGTGTCCTGCCCTGCCTCTCCTTCCTGCCTCCAG-3'

ClinVar aggregate classification (germline): Benign. Review status: criteria provided, multiple submitters, no conflicts (2 of 4 stars). 2 submissions from 2 submitters: Benign (2). Last evaluated 2018-01-12.

Conditions:
Hereditary spastic paraplegia 30. Identifiers: Orphanet 101010, MedGen C5235139, MONDO:0012476.

Allele frequency attached by ClinVar (database versions not stated): 1000 Genomes Project 30x 0.02420; 1000 Genomes Project 0.02496; TOPMed 0.03412; gnomAD 0.03549; gnomAD exomes 0.04661.

Submissions (2):

Illumina Laboratory Services, Illumina
Classification: Benign for Spastic paraplegia 30A, autosomal dominant. Last evaluated: 2018-01-12. Review status: criteria provided, single submitter. Criteria: ICSL Variant Classification Criteria 13 December 2019. Collection method: clinical testing. Allele origin: germline.
Comment: This variant was observed in the ICSL laboratory as part of a predisposition screen in an ostensibly healthy population. It had not been previously curated by ICSL or reported in the Human Gene Mutation Database (HGMD: prior to June 1st, 2018), and was therefore a candidate for classification through an automated scoring system. Utilizing variant allele frequency, disease prevalence and penetrance estimates, and inheritance mode, an automated score was calculated to assess if this variant is too frequent to cause the disease. Based on the score and internal cut-off values, a variant classified as benign is not then subjected to further curation. The score for this variant resulted in a classification of benign for this disease.

Breakthrough Genomics
Classification: Benign. Review status: criteria provided, single submitter. Criteria: ACMG Guidelines, 2015. Collection method: not provided. Allele origin: germline. Inheritance: Autosomal recessive inheritance. Affected: yes.